The following is an entry in ClinVar:

NM_001267550.2(TTN):c.42968dup (p.Pro14324fs)

Gene: TTN (titin; minus strand). Cytogenetic location: 2q31.2.
Variant type: Duplication.
Coding change: c.42968dup on transcript NM_001267550.2 (MANE Select); coding-DNA position 42968, one base duplicated (A; older notation c.42968dupA).
Protein change: p.Pro14324fs; shifts the reading frame from proline 14324.
Molecular consequence: frameshift variant.
Genome position (GRCh38, 1-based): chr2:178,633,305, T duplicated on the plus strand (A on the coding strand, the reverse complement: TTN is on the minus strand); the first of 4 consecutive T bases (chr2:178,633,305-178,633,308); duplicating any one gives the same sequence. VCF-style (leftmost placement, unchanged base first): chr2-178633304-C-CT. GRCh37 (hg19) VCF-style: chr2-179498031-C-CT.
Other names: NM_133378.4:c.35264dupA; p.Pro11756AlafsX11; c.35264_35265insA (NM_133378.4); c.38045dup, p.Pro12683fs (NM_001256850.1); c.15773dup, p.Pro5259fs (NM_003319.4); c.35264dup, p.Pro11756fs (NM_133378.4); c.16148dup, p.Pro5384fs (NM_133432.3); c.16349dup, p.Pro5451fs (NM_133437.4); short protein forms P12683fs, P14324fs, P5259fs, P5451fs, P5384fs, P11756fs.
Identifiers: ClinVar variation 505124 (VCV000505124.5), dbSNP rs1553741321, ClinGen allele CA658796017.
Genomic context (GRCh38, chr2:178,633,304, plus strand): 5'-AGAAAGTTCAATTTCAAAGTGGGCTGTTTCACCAACAAACACCTCTACTCCGTACAGAGG[C>CT]TTTTCCACTTTTATTAGTCGAGCTGAAATGATACAGTTTTGTTAGCATGACTGAACTAAT-3'

ClinVar aggregate classification (germline): Likely pathogenic (1 of 4 stars; one submission).

Conditions:
Primary dilated cardiomyopathy (DCM). Also called: Dilated Cardiomyopathy. Identifiers: Orphanet 217604, MedGen C0007193, MeSH D002311, MONDO:0005021, HP:0001644. Inheritance: Various modes of inheritance.

Submission:

Laboratory for Molecular Medicine, Mass General Brigham Personalized Medicine
Classification: Likely pathogenic for Primary dilated cardiomyopathy. Last evaluated: 2016-06-10. Review status: criteria provided, single submitter. Criteria: LMM Criteria. Collection method: clinical testing. Allele origin: germline. Observed: 1 variant allele.
Comment: The p.Pro11756Alafs variant in TTN has not been previously reported in individua ls with cardiomyopathy or in large population studies. This variant is predicted to cause a frameshift, which alters the protein?s amino acid sequence beginning at position 11756 and leads to a premature termination codon 11 amino acids dow nstream. This alteration is then predicted to lead to a truncated or absent prot ein. Truncating variants in TTN are strongly associated with DCM if they impact the exons encoding for the A-band (Herman 2012, Pugh 2014) and/or are located in an exon that is highly expressed in the heart (Roberts 2015). The p.Pro11756Ala fs variant is located in the highly expressed exon 182 in the I band. In summary , although additional studies are required to fully establish its clinical signi ficance, the p.Pro11756Alafs variant is likely pathogenic.